The following is an entry in ClinVar:

ClinVar aggregate classification (germline): Uncertain significance. Review status: reviewed by expert panel (3 of 4 stars). 6 submissions from 6 submitters: Uncertain significance (1). 5 of the submissions do not count toward it. Last evaluated 2025-06-24.

Conditions:
Hereditary cancer-predisposing syndrome. Also called: Neoplastic Syndromes, Hereditary; Tumor predisposition; Hereditary neoplastic syndrome; Hereditary Cancer Syndrome. Identifiers: Orphanet 140162, MedGen C0027672, MeSH D009386, MONDO:0015356.
DICER1-related disorder. Also called: DICER1-related condition.
DICER1-related tumor predisposition. Also called: DICER1-related pleuropulmonary blastoma cancer predisposition syndrome; DICER1 syndrome. Identifiers: Orphanet 284343, MedGen C3839822, MONDO:0100216.

Submissions (6):

ClinGen DICER1 and miRNA-Processing Gene Variant Curation Expert Panel, ClinGen
Classification: Uncertain significance for DICER1-related tumor predisposition. Last evaluated: 2025-06-24. Review status: reviewed by expert panel. Criteria: ClinGen DICER1 ACMG Specifications DICER1 V1.3.0. Collection method: curation. Allele origin: germline. Inheritance: Autosomal dominant inheritance.
Comment: The NM_177438.2:c.5622C>A (p.Tyr1874Ter) variant in DICER1 is a nonsense variant that may cause loss of function of the protein; however, it is predicted to escape nonsense-mediated decay and remove <10% of the protein (PVS1_Moderate). This variant has an allele frequency of 0.0000006196 (1/1614038 alleles) across gnomAD v4.1.0 with no more than one allele in any subpopulation, which is lower than the ClinGen DICER1 VCEP threshold (<0.000005) for PM2_Supporting, and therefore meets this criterion (PM2_Supporting). In summary, this variant meets the criteria to be classified as Uncertain Significance for DICER1-related tumor predisposition based on the ACMG/AMP criteria applied, as specified by the ClinGen DICER1 VCEP: PVS1_Moderate, PM2_Supporting. (Bayesian Points: 3; VCEP specifications version 1.3.0; 06/24/2025)

Ambry Genetics
Classification: Uncertain significance for Hereditary cancer-predisposing syndrome. Last evaluated: 2025-10-03. Review status: criteria provided, single submitter. Criteria: Ambry Variant Classification Scheme 2023. Collection method: clinical testing. Allele origin: germline. Not counted in ClinVar's aggregate classification.
Comment: The p.Y1874* variant (also known as c.5622C>A), located in coding exon 26 of the DICER1 gene, results from a C to A substitution at nucleotide position 5622. This changes the amino acid from a tyrosine to a stop codon within coding exon 26. This alteration occurs at the 3' terminus of theDICER1 gene, is not expected to trigger nonsense-mediated mRNAdecay, and only impacts the last 2.5% of the protein. The exact functional effect of this alteration is unknown. Based on the available evidence, the clinical significance of this variant remains unclear.

Labcorp Genetics (formerly Invitae), Labcorp
Classification: Uncertain significance for DICER1-related tumor predisposition. Last evaluated: 2024-12-31. Review status: criteria provided, single submitter. Criteria: Invitae Variant Classification Sherloc (09022015). Collection method: clinical testing. Allele origin: germline. Not counted in ClinVar's aggregate classification.
Comment: This sequence change creates a premature translational stop signal (p.Tyr1874*) in the DICER1 gene. While this is not anticipated to result in nonsense mediated decay, it is expected to disrupt the last 49 amino acid(s) of the DICER1 protein. This variant is not present in population databases (gnomAD no frequency). This variant has not been reported in the literature in individuals affected with DICER1-related conditions. ClinVar contains an entry for this variant (Variation ID: 648917). Experimental studies and prediction algorithms are not available or were not evaluated, and the functional significance of this variant is currently unknown. RNA analysis performed to evaluate the impact of this premature translational stop signal on mRNA splicing indicates it does not significantly alter splicing (internal data). In summary, the available evidence is currently insufficient to determine the role of this variant in disease. Therefore, it has been classified as a Variant of Uncertain Significance.

PreventionGenetics, part of Exact Sciences
Classification: Uncertain significance for DICER1-related condition. Last evaluated: 2024-11-19. Review status: criteria provided, single submitter. Criteria: ACMG Guidelines, 2015. Collection method: clinical testing. Allele origin: germline. Not counted in ClinVar's aggregate classification.
Comment: The DICER1 c.5622C>A variant is predicted to result in premature protein termination (p.Tyr1874*). This variant was reported in an individual with no reported DICER1-associated features (Mirshahi et al. 2021. PubMed ID: 33630087). This variant is not predicted to undergo nonsense-mediated decay, thus affecting only the last 49 amino acids of the DICER1 protein. This variant has not been reported in the literature or in a large population database (gnomAD), indicating this variant is rare. This variant is classified as having uncertain clinical significance by the ClinGen DICER1 Variant Curation Expert Panel (VCEP) and other labs in ClinVar. At this time, the clinical significance of this variant is uncertain due to the absence of conclusive functional and genetic evidence.

GeneDx
Classification: Uncertain significance. Last evaluated: 2023-05-26. Review status: criteria provided, single submitter. Criteria: GeneDx Variant Classification Process June 2021. Collection method: clinical testing. Allele origin: germline. Affected: yes. Not counted in ClinVar's aggregate classification.
Comment: Not observed at significant frequency in large population cohorts (gnomAD); Nonsense variant predicted to result in protein truncation as the last 49 amino acids are lost, although loss-of-function variants have not been reported downstream of this position in the protein; Observed in an individual with no DICER1-related phenotype undergoing whole exome sequencing (Mirshahi et al., 2021); This variant is associated with the following publications: (PMID: 33630087)

Sema4
Classification: Uncertain significance for Hereditary cancer-predisposing syndrome. Last evaluated: 2021-06-08. Review status: criteria provided, single submitter. Criteria: Sema4 Curation Guidelines. Collection method: curation. Allele origin: germline. Not counted in ClinVar's aggregate classification.
Comment: The DICER1 c.5622C>A (p.Y1874X) variant has been reported in heterozygosity in at least 1 individual with thyroid-related clinical features but no cancer or hypothyroidism (PMID: 33630087). This variant is in the last exon and is not predicted to cause nonsense-mediated decay. The protein product is expected to be truncated. This variant is not reported in the population database Genome Aggregation Database (PMID: 32461654). This variant has been reported in ClinVar (Variation ID: 648917). Based on the current evidence available, this variant is interpreted as a variant of uncertain significance.

Literature cited by the submitters: PubMed 33630087 (cited by Ambry Genetics and Sema4).

NM_177438.3(DICER1):c.5622C>A (p.Tyr1874Ter)

Gene: DICER1 (dicer 1, ribonuclease III; minus strand). Cytogenetic location: 14q32.13.
Variant type: single nucleotide variant.
Coding change: c.5622C>A on transcript NM_177438.3 (MANE Select); coding-DNA position 5622, C replaced by A.
Protein change: p.Tyr1874Ter; replaces tyrosine 1874 with a stop codon.
Molecular consequence: nonsense. On other transcripts: missense variant (1).
Genome position (GRCh38, 1-based): chr14:95,090,645, G>T on the plus strand (C>A on the coding strand, the complement: DICER1 is on the minus strand). VCF-style: chr14-95090645-G-T. GRCh37 (hg19) VCF-style: chr14-95556982-G-T.
Other names: NM_177438.3(DICER1):c.5622C>A; p.Tyr1874Ter; c.5459C>A, p.Thr1820Lys (NM_001195573.1); c.5622C>A, p.Tyr1874Ter (NM_001271282.3, NM_001291628.2, NM_030621.4); short protein forms Y1874*, T1820K.
Identifiers: ClinVar variation 648917 (VCV000648917.20), dbSNP rs769490774, ClinGen allele CA390863714.